The following is an entry in ClinVar:

ClinVar aggregate classification (germline): Uncertain significance (1 of 4 stars; one submission).

Conditions:
Retinitis pigmentosa 26 (RP26). Identifiers: Orphanet 791, MedGen C1842127, MONDO:0012024, OMIM 608380.

Submission:

Myriad Genetics, Inc.
Classification: Uncertain significance for Retinitis pigmentosa 26. Last evaluated: 2026-07-27. Review status: criteria provided, single submitter. Criteria: Myriad Autosomal Dominant, Autosomal Recessive and X-Linked Classification Criteria (2023). Collection method: clinical testing. Allele origin: unknown.
Comment: NM_001030311.2(CERKL):c.1479_1481delGGA(E494del) is an in-frame deletion classified as a variant of uncertain significance in the context of retinitis pigmentosa, CERKL-related. E494del has not been observed in cases with relevant disease. Relevant functional assessments of this variant are not available in the literature. E494del has not been observed in referenced population frequency databases. In summary, there is insufficient evidence to classify NM_001030311.2(CERKL):c.1479_1481delGGA(E494del) as pathogenic or benign. Please note: this variant was assessed in the context of healthy population screening.

NM_201548.5(CERKL):c.1401_1403del (p.Glu468del)

Gene: CERKL (CERK like autophagy regulator; minus strand). Cytogenetic location: 2q31.3.
Variant type: Deletion.
Coding change: c.1401_1403del on transcript NM_201548.5 (MANE Select); coding-DNA positions 1401 to 1403, 3 bases deleted (GGA; older notation c.1401_1403delGGA).
Protein change: p.Glu468del; deletes glutamic acid 468.
Molecular consequence: inframe deletion. On other transcripts: non-coding transcript variant (2).
Genome position (GRCh38, 1-based): chr2:181,539,227-181,539,229, TCC deleted on the plus strand (GGA on the coding strand, the reverse complement: CERKL is on the minus strand); deleting any 3 consecutive bases within chr2:181,539,227-181,539,231 gives the same sequence; the c. name uses the placement nearest the transcript's 3' end. VCF-style (leftmost placement, unchanged base first): chr2-181539226-TTCC-T. GRCh37 (hg19) VCF-style: chr2-182403953-TTCC-T.
Other names: c.1479_1481del, p.Glu494del (NM_001030311.3); c.1062_1064del, p.Glu355del (NM_001030312.3); c.1194_1196del, p.Glu399del (NM_001030313.3); c.1347_1349del, p.Glu450del (NM_001160277.2); short protein forms E399del, E468del, E355del, E450del, E494del.
Identifiers: ClinVar variation 5003855 (VCV005003855.1).